The following is an entry in ClinVar:

ClinVar aggregate classification (germline): Uncertain significance. Review status: criteria provided, multiple submitters, no conflicts (2 of 4 stars). 2 submissions from 2 submitters: Uncertain significance (2). Last evaluated 2022-02-02.

Conditions:
Hereditary cancer-predisposing syndrome. Also called: Neoplastic Syndromes, Hereditary; Tumor predisposition; Hereditary neoplastic syndrome; Hereditary Cancer Syndrome. Identifiers: Orphanet 140162, MedGen C0027672, MeSH D009386, MONDO:0015356.

Submissions (2):

Ambry Genetics
Classification: Uncertain significance for Hereditary cancer-predisposing syndrome. Last evaluated: 2022-02-02. Review status: criteria provided, single submitter. Criteria: Ambry Variant Classification Scheme 2023. Collection method: clinical testing. Allele origin: germline.
Comment: The p.K353R variant (also known as c.1058A>G), located in coding exon 4 of the PALB2 gene, results from an A to G substitution at nucleotide position 1058. The lysine at codon 353 is replaced by arginine, an amino acid with highly similar properties. This variant was identified in 1/177 individuals with pancreatic ductal adenocarcinoma undergoing multi-gene panel testing (Cremin C et al. Cancer Med, 2020 06;9:4004-4013). This amino acid position is not well conserved in available vertebrate species. In addition, this alteration is predicted to be tolerated by in silico analysis. Since supporting evidence is limited at this time, the clinical significance of this alteration remains unclear.

Color Diagnostics, LLC DBA Color Health
Classification: Uncertain significance for Hereditary cancer-predisposing syndrome. Last evaluated: 2018-10-04. Review status: criteria provided, single submitter. Criteria: ACMG Guidelines, 2015. Collection method: clinical testing. Allele origin: germline.

Literature cited by the submitters: PubMed 32255556 (cited by Ambry Genetics).

NM_024675.4(PALB2):c.1058A>G (p.Lys353Arg)

Gene: PALB2 (partner and localizer of BRCA2; minus strand). Cytogenetic location: 16p12.2.
Variant type: single nucleotide variant.
Coding change: c.1058A>G on transcript NM_024675.4 (MANE Select); coding-DNA position 1058, A replaced by G.
Protein change: p.Lys353Arg; replaces lysine 353 with arginine.
Molecular consequence: missense variant.
Genome position (GRCh38, 1-based): chr16:23,635,488, T>C on the plus strand (A>G on the coding strand, the complement: PALB2 is on the minus strand). VCF-style: chr16-23635488-T-C. GRCh37 (hg19) VCF-style: chr16-23646809-T-C.
Other names: short protein forms K353R.
Identifiers: ClinVar variation 629432 (VCV000629432.4), dbSNP rs1567221700, ClinGen allele CA395134092.